The following is an entry in ClinVar:

ClinVar aggregate classification (germline): Conflicting classifications of pathogenicity. Review status: criteria provided, conflicting classifications (1 of 4 stars). 3 submissions from 3 submitters: Uncertain significance (1); Likely benign (1). 1 of the submissions does not count toward it. Last evaluated 2025-10-28.

Conditions:
XDH-related disorder. Also called: XDH-related condition.
Xanthinuria type II. Also called: Xanthine dehydrogenase and aldehyde oxidase combined deficiency of; XDH and AOX dual deficiency. Identifiers: Orphanet 3467, Orphanet 93602, MedGen C1863688, MONDO:0011346, OMIM 603592.
Hereditary xanthinuria type 1 (XAN1). Identifiers: Orphanet 3467, Orphanet 93601, MedGen C0268118, MONDO:0010209, OMIM 278300.

Allele frequency attached by ClinVar (database versions not stated): gnomAD exomes 0.00015 and 0.00040; 1000 Genomes Project 30x 0.00031; 1000 Genomes Project 0.00040; ExAC 0.00047; gnomAD 0.00155 and 0.00170; TOPMed 0.00166; ESP Exome Variant Server 0.00223.
gnomAD v4.1: 476 of 1,614,094 alleles (0.029%); highest among the groups gnomAD compares: African/African-American, 0.51%; 2 homozygotes.

Submissions (3):

Labcorp Genetics (formerly Invitae), Labcorp
Classification: Likely benign for Xanthinuria type II. Last evaluated: 2025-10-28. Review status: criteria provided, single submitter. Criteria: Invitae Variant Classification Sherloc (09022015). Collection method: clinical testing. Allele origin: germline.

Illumina Laboratory Services, Illumina
Classification: Uncertain significance for Hereditary xanthinuria type 1. Last evaluated: 2018-01-13. Review status: criteria provided, single submitter. Criteria: ICSL Variant Classification Criteria 13 December 2019. Collection method: clinical testing. Allele origin: germline.

PreventionGenetics, part of Exact Sciences
Classification: Likely benign for XDH-related condition. Last evaluated: 2020-11-20. Review status: no assertion criteria provided. Collection method: clinical testing. Allele origin: germline. Not counted in ClinVar's aggregate classification.
Comment: This variant is classified as likely benign based on ACMG/AMP sequence variant interpretation guidelines (Richards et al. 2015 PMID: 25741868, with internal and published modifications).

NM_000379.4(XDH):c.1726C>T (p.Arg576Trp)

Gene: XDH (xanthine dehydrogenase; minus strand). Cytogenetic location: 2p23.1.
Variant type: single nucleotide variant.
Coding change: c.1726C>T on transcript NM_000379.4 (MANE Select); coding-DNA position 1726, C replaced by T.
Protein change: p.Arg576Trp; replaces arginine 576 with tryptophan.
Molecular consequence: missense variant.
Genome position (GRCh38, 1-based): chr2:31,372,358, G>A on the plus strand (C>T on the coding strand, the complement: XDH is on the minus strand). VCF-style: chr2-31372358-G-A. GRCh37 (hg19) VCF-style: chr2-31595224-G-A.
Other names: short protein forms R576W.
Identifiers: ClinVar variation 779628 (VCV000779628.15), dbSNP rs139772558, ClinGen allele CA1599097.